The following is an entry in ClinVar:

ClinVar aggregate classification (germline): Likely benign. Review status: criteria provided, multiple submitters, no conflicts (2 of 4 stars). 3 submissions from 3 submitters: Likely benign (2). 1 of the submissions does not count toward it. Last evaluated 2022-11-02.

Conditions:
WDPCP-related disorder. Also called: WDPCP-related condition.
Bardet-Biedl syndrome (BBS). Identifiers: Orphanet 110, MedGen C0752166, MONDO:0015229.

gnomAD v4.1: 21 of 1,612,974 alleles (0.0013%); highest among the groups gnomAD compares: South Asian, 0.0066%; no homozygotes.

Submissions (3):

Blueprint Genetics
Classification: Likely benign. Last evaluated: 2022-11-02. Review status: criteria provided, single submitter. Criteria: ACMG Guidelines, 2015. Collection method: clinical testing. Allele origin: germline.

Labcorp Genetics (formerly Invitae), Labcorp
Classification: Likely benign for Bardet-Biedl syndrome. Last evaluated: 2022-03-10. Review status: criteria provided, single submitter. Criteria: Invitae Variant Classification Sherloc (09022015). Collection method: clinical testing. Allele origin: germline.

PreventionGenetics, part of Exact Sciences
Classification: Likely benign for WDPCP-related condition. Last evaluated: 2020-10-05. Review status: no assertion criteria provided. Collection method: clinical testing. Allele origin: germline. Not counted in ClinVar's aggregate classification.
Comment: This variant is classified as likely benign based on ACMG/AMP sequence variant interpretation guidelines (Richards et al. 2015 PMID: 25741868, with internal and published modifications).

NM_015910.7(WDPCP):c.1731C>T (p.Phe577=)

Gene: WDPCP (WD repeat containing planar cell polarity effector; minus strand). Cytogenetic location: 2p15.
Variant type: single nucleotide variant.
Coding change: c.1731C>T on transcript NM_015910.7 (MANE Select); coding-DNA position 1731, C replaced by T.
Protein change: p.Phe577=; no amino-acid change (phenylalanine 577 retained).
Molecular consequence: synonymous variant. On other transcripts: non-coding transcript variant (3).
Genome position (GRCh38, 1-based): chr2:63,378,403, G>A on the plus strand (C>T on the coding strand, the complement: WDPCP is on the minus strand). VCF-style: chr2-63378403-G-A. GRCh37 (hg19) VCF-style: chr2-63605538-G-A.
Other names: c.1254C>T, p.Phe418= (NM_001042692.3); c.1659C>T, p.Phe553= (NM_001354044.2); c.1731C>T, p.Phe577= (NM_001354045.2); c.1731C>T (NM_015910.5).
Identifiers: ClinVar variation 1113073 (VCV001113073.12), dbSNP rs778132438, ClinGen allele CA1682150.
Genomic context (GRCh38, chr2:63,378,403, plus strand): 5'-AAGTAATTAGTCTGACGCTAATCAATCCAAACATATCATTCACCTGAGCAAGTGATGGAA[G>A]AATCTCCTTGCATATTTGCTGATTTGATCTCTATATTCCAATATAGTGGAATCCAGAAGT-3'
Protein context (NP_056994.3, residues 567-587): RDQISKYARR[Phe577=]FHHLLRYQRF